The following is an entry in ClinVar:

NM_001352754.2(ARMC9):c.1733G>T (p.Gly578Val)

Gene: ARMC9 (armadillo repeat containing 9; plus strand). Cytogenetic location: 2q37.1.
Variant type: single nucleotide variant.
Coding change: c.1733G>T on transcript NM_001352754.2 (MANE Select); coding-DNA position 1733, G replaced by T.
Protein change: p.Gly578Val; replaces glycine 578 with valine.
Molecular consequence: missense variant. On other transcripts: non-coding transcript variant (1).
Genome position (GRCh38, 1-based): chr2:231,296,213, G>T. VCF-style: chr2-231296213-G-T. GRCh37 (hg19) VCF-style: chr2-232160926-G-T.
Other names: c.1733G>T, p.Gly578Val (NM_001271466.4, NM_001291656.2, NM_001352755.2 and 3 more transcripts); c.1634G>T, p.Gly545Val (NM_001352757.2, NM_001352758.2); short protein forms G578V, G545V.
Identifiers: ClinVar variation 1965552 (VCV001965552.5), dbSNP rs769808996, ClinGen allele CA2160467.
Genomic context (GRCh38, chr2:231,296,213, plus strand): 5'-TCCCACTGTTTATCCATTATTCATTGATTCTTTTTTTCTTTATAGAAGAGCTACCAGATG[G>T]TGTTCTTGAATCTGATGATGATGAAGATGAAGATGATGAAGTAAGTTGGAGGTTCTTGAC-3'
Protein context (NP_001339683.2, residues 568-588): KQLNSEELPD[Gly578Val]VLESDDDEDE

ClinVar aggregate classification (germline): Uncertain significance (1 of 4 stars; one submission).

gnomAD v4.1: 27 of 1,613,250 alleles (0.0017%); highest among the groups gnomAD compares: East Asian, 0.06%; 1 homozygote.

Submission:

Labcorp Genetics (formerly Invitae), Labcorp
Classification: Uncertain significance. Last evaluated: 2022-09-27. Review status: criteria provided, single submitter. Criteria: Invitae Variant Classification Sherloc (09022015). Collection method: clinical testing. Allele origin: germline.
Comment: This sequence change replaces glycine, which is neutral and non-polar, with valine, which is neutral and non-polar, at codon 578 of the ARMC9 protein (p.Gly578Val). This variant is present in population databases (rs769808996, gnomAD 0.01%). This variant has not been reported in the literature in individuals affected with ARMC9-related conditions. Experimental studies and prediction algorithms are not available or were not evaluated, and the functional significance of this variant is currently unknown. In summary, the available evidence is currently insufficient to determine the role of this variant in disease. Therefore, it has been classified as a Variant of Uncertain Significance.